The following is an entry in ClinVar:

ClinVar aggregate classification (germline): Likely benign. Review status: criteria provided, multiple submitters, no conflicts (2 of 4 stars). 4 submissions from 4 submitters: Likely benign (3). 1 of the submissions does not count toward it. Last evaluated 2024-07-14.

Conditions:
KDM5B-related disorder. Also called: KDM5B-related condition.
Inborn genetic diseases. Identifiers: MedGen C0950123, MeSH D030342.

Allele frequency attached by ClinVar (database versions not stated): gnomAD exomes 0.00013 and 0.00033; ExAC 0.00046; 1000 Genomes Project 0.00080; 1000 Genomes Project 30x 0.00094; gnomAD 0.00142 and 0.00158; TOPMed 0.00153; ESP Exome Variant Server 0.00169.
gnomAD v4.1: 409 of 1,611,464 alleles (0.025%); highest among the groups gnomAD compares: African/African-American, 0.49%; 3 homozygotes.

Submissions (4):

Ambry Genetics
Classification: Likely benign for Inborn genetic diseases. Last evaluated: 2024-07-14. Review status: criteria provided, single submitter. Criteria: Ambry Variant Classification Scheme 2023. Collection method: clinical testing. Allele origin: germline.

Labcorp Genetics (formerly Invitae), Labcorp
Classification: Likely benign. Last evaluated: 2018-07-23. Review status: criteria provided, single submitter. Criteria: Invitae Variant Classification Sherloc (09022015). Collection method: clinical testing. Allele origin: germline.

Breakthrough Genomics
Classification: Likely benign. Review status: criteria provided, single submitter. Criteria: ACMG Guidelines, 2015. Collection method: not provided. Allele origin: germline. Inheritance: Autosomal recessive inheritance. Affected: yes.

PreventionGenetics, part of Exact Sciences
Classification: Likely benign for KDM5B-related condition. Last evaluated: 2023-09-15. Review status: no assertion criteria provided. Collection method: clinical testing. Allele origin: germline. Not counted in ClinVar's aggregate classification.
Comment: This variant is classified as likely benign based on ACMG/AMP sequence variant interpretation guidelines (Richards et al. 2015 PMID: 25741868, with internal and published modifications).

NM_006618.5(KDM5B):c.1333A>G (p.Ile445Val)

Gene: KDM5B (lysine demethylase 5B; minus strand). Cytogenetic location: 1q32.1.
Variant type: single nucleotide variant.
Coding change: c.1333A>G on transcript NM_006618.5 (MANE Select); coding-DNA position 1333, A replaced by G.
Protein change: p.Ile445Val; replaces isoleucine 445 with valine.
Molecular consequence: missense variant.
Genome position (GRCh38, 1-based): chr1:202,756,381, T>C on the plus strand (A>G on the coding strand, the complement: KDM5B is on the minus strand). VCF-style: chr1-202756381-T-C. GRCh37 (hg19) VCF-style: chr1-202725509-T-C.
Other names: c.1441A>G, p.Ile481Val (NM_001314042.2); c.1198A>G, p.Ile400Val (NM_001347591.2); c.1318A>G, p.Ile440Val (NM_001399817.1); c.1333A>G (NM_006618.3); short protein forms I481V, I400V, I445V, I440V.
Identifiers: ClinVar variation 742448 (VCV000742448.8), dbSNP rs148434113, ClinGen allele CA1334751.